The following is an entry in ClinVar:

NM_012445.4(SPON2):c.762C>T (p.Pro254=)

Gene: SPON2 (spondin 2; minus strand). Cytogenetic location: 4p16.3.
Variant type: single nucleotide variant.
Coding change: c.762C>T on transcript NM_012445.4 (MANE Select); coding-DNA position 762, C replaced by T.
Protein change: p.Pro254=; no amino-acid change (proline 254 retained).
Molecular consequence: synonymous variant.
Genome position (GRCh38, 1-based): chr4:1,170,451, G>A on the plus strand (C>T on the coding strand, the complement: SPON2 is on the minus strand). VCF-style: chr4-1170451-G-A. GRCh37 (hg19) VCF-style: chr4-1164239-G-A.
Other names: c.762C>T, p.Pro254= (NM_001199021.2, NM_001128325.3).
Identifiers: ClinVar variation 2654544 (VCV002654544.24), dbSNP rs145897903, ClinGen allele CA2803781.
Genomic context (GRCh38, chr4:1,170,451, plus strand): 5'-ATGTCCGTTACCTGAGGCGCTGTCTACAATCTCATTGTCCCTGCTGGGCAGGACTGGGGC[G>A]GGAGGGATGAAGGCCCTGGGGCTCTGTCGCAGCCGCACCAGTGTCACCCTGGCGATGGGA-3'
Protein context (NP_036577.2, residues 244-264): LRQSPRAFIP[Pro254=]APVLPSRDNE

ClinVar aggregate classification (germline): Likely benign (1 of 4 stars; one submission).

Allele frequency attached by ClinVar (database versions not stated): ExAC 0.00040; gnomAD 0.00121; ESP Exome Variant Server 0.00131; TOPMed 0.00144; 1000 Genomes Project 0.00240; 1000 Genomes Project 30x 0.00250.
gnomAD v4.1: 517 of 1,614,054 alleles (0.032%); highest among the groups gnomAD compares: Middle Eastern, 0.54%; 12 homozygotes.

Submission:

CeGaT Center for Human Genetics Tuebingen
Classification: Likely benign. Last evaluated: 2022-07-01. Review status: criteria provided, single submitter. Criteria: CeGaT Center For Human Genetics Tuebingen Variant Classification Criteria Version 2. Collection method: clinical testing. Allele origin: germline. Affected: yes. Observed: 1 variant allele.
Comment: SPON2: BP4, BP7